The following is an entry in ClinVar:

ClinVar aggregate classification (germline): Uncertain significance (1 of 4 stars; one submission).

Conditions:
Radioulnar synostosis with amegakaryocytic thrombocytopenia 2 (RUSAT2). Also called: RADIOULNAR SYNOSTOSIS AND AMEGAKARYOCYTIC THROMBOCYTOPENIA 2. Identifiers: Orphanet 71289, MedGen C4225221, MONDO:0014758, OMIM 616738.

Submission:

St. Jude Molecular Pathology, St. Jude Children's Research Hospital
Classification: Uncertain significance for Radioulnar synostosis with amegakaryocytic thrombocytopenia 2. Last evaluated: 2026-10-01. Review status: criteria provided, single submitter. Criteria: St. Jude Assertion Criteria 2020. Collection method: clinical testing. Allele origin: germline.
Comment: The MECOM c.2306T>A p.(Leu769His) misse nse change is absent in gnomAD v2.1.1. The in silico tool REVEL predicts a benign effect on protein function, but to our knowledge this prediction has not been confirmed by functional studies. To our knowledge, this va riant has not been reported in individuals with MECOM-associated syndrome. In summary, the evidence currently available is insufficient to determine the clinical significance of this variant. It has therefore been classified as of uncertain significance (VUS-Low).

NM_004991.4(MECOM):c.2675T>A (p.Leu892His)

Gene: MECOM (MDS1 and EVI1 complex locus; minus strand). Cytogenetic location: 3q26.2.
Variant type: single nucleotide variant.
Coding change: c.2675T>A on transcript NM_004991.4 (MANE Select); coding-DNA position 2675, T replaced by A.
Protein change: p.Leu892His; replaces leucine 892 with histidine.
Molecular consequence: missense variant.
Genome position (GRCh38, 1-based): chr3:169,102,156, A>T on the plus strand (T>A on the coding strand, the complement: MECOM is on the minus strand). VCF-style: chr3-169102156-A-T. GRCh37 (hg19) VCF-style: chr3-168819944-A-T.
Other names: c.2306T>A, p.Leu769His (NM_001105077.4); c.2111T>A, p.Leu704His (NM_001105078.4, NM_001205194.2, NM_001366469.2 and 1 more transcripts); c.2087T>A, p.Leu696His (NM_001163999.2, NM_001366470.2); c.2084T>A, p.Leu695His (NM_001164000.2, NM_001366471.2, NM_001366472.2); c.2648T>A, p.Leu883His (NM_001366466.2); c.2114T>A, p.Leu705His (NM_001366467.2, NM_001366468.2); c.1676T>A, p.Leu559His (NM_001366473.2); c.1112T>A, p.Leu371His (NM_001366474.2); short protein forms L371H, L559H, L695H, L696H, L704H, L705H, L769H, L883H.
Identifiers: ClinVar variation 5038362 (VCV005038362.1).